The following is an entry in ClinVar:

NM_000127.3(EXT1):c.1234del (p.Trp412fs)

Gene: EXT1 (exostosin glycosyltransferase 1; minus strand). Cytogenetic location: 8q24.11.
Variant type: Deletion.
Coding change: c.1234del on transcript NM_000127.3 (MANE Select); coding-DNA position 1234, one base deleted (T; older notation c.1234delT).
Protein change: p.Trp412fs; shifts the reading frame from tryptophan 412.
Molecular consequence: frameshift variant.
Genome position (GRCh38, 1-based): chr8:117,830,280, A deleted on the plus strand (T on the coding strand, the reverse complement: EXT1 is on the minus strand). VCF-style (leftmost placement, unchanged base first): chr8-117830279-CA-C. GRCh37 (hg19) VCF-style: chr8-118842518-CA-C.
Other names: short protein forms W412fs.
Identifiers: ClinVar variation 952697 (VCV000952697.9), dbSNP rs1812076996, ClinGen allele CA1139660731.
Genomic context (GRCh38, chr8:117,830,279, plus strand): 5'-GTCTCACTTACCTCTAGTGTAGTTAATACAATCTTCTCAACTGAAGAAAAATAAGCCTCC[CA>C]CAAGAATTGTGTCTGCTGTCTAAGTGCTAGGATTTTATCCTGATGAATAGACCTGATTGT-3'

ClinVar aggregate classification (germline): Pathogenic (1 of 4 stars; one submission).

Conditions:
Multiple congenital exostosis (EXT). Also called: MULTIPLE CARTILAGINOUS EXOSTOSES; Multiple exostoses; Hereditary multiple exostoses; Hereditary multiple exostosis; Multiple osteochondromas; Hereditary multiple osteochondromas. Identifiers: Orphanet 321, MedGen C0015306, MONDO:0005508, HP:0002762.

Submission:

Labcorp Genetics (formerly Invitae), Labcorp
Classification: Pathogenic for Multiple congenital exostosis. Last evaluated: 2019-05-02. Review status: criteria provided, single submitter. Criteria: Invitae Variant Classification Sherloc (09022015). Collection method: clinical testing. Allele origin: germline.
Comment: This variant is not present in population databases (ExAC no frequency). Loss-of-function variants in EXT1 are known to be pathogenic (PMID: 10679937, 11391482, 19810120). For these reasons, this variant has been classified as Pathogenic. This sequence change creates a premature translational stop signal (p.Trp412Glyfs*13) in the EXT1 gene. It is expected to result in an absent or disrupted protein product.

Literature cited by the submitters: PubMed 10679937; PubMed 11391482; PubMed 19810120.